The following is an entry in ClinVar:

NM_004655.4(AXIN2):c.218C>G (p.Ser73Cys)

Gene: AXIN2 (axin 2; minus strand). Cytogenetic location: 17q24.1.
Variant type: single nucleotide variant.
Coding change: c.218C>G on transcript NM_004655.4 (MANE Select); coding-DNA position 218, C replaced by G.
Protein change: p.Ser73Cys; replaces serine 73 with cysteine.
Molecular consequence: missense variant.
Genome position (GRCh38, 1-based): chr17:65,558,403, G>C on the plus strand (C>G on the coding strand, the complement: AXIN2 is on the minus strand). VCF-style: chr17-65558403-G-C. GRCh37 (hg19) VCF-style: chr17-63554521-G-C.
Other names: c.218C>G (LRG_296t1); c.218C>G, p.Ser73Cys (NM_001363813.1); short protein forms S73C.
Identifiers: ClinVar variation 660023 (VCV000660023.12), dbSNP rs1306348080, ClinGen allele CA400681876.

ClinVar aggregate classification (germline): Uncertain significance. Review status: criteria provided, multiple submitters, no conflicts (2 of 4 stars). 2 submissions from 2 submitters: Uncertain significance (2). Last evaluated 2024-06-17.

Conditions:
Hereditary cancer-predisposing syndrome. Also called: Neoplastic Syndromes, Hereditary; Hereditary Cancer Syndrome; Tumor predisposition; Hereditary neoplastic syndrome. Identifiers: Orphanet 140162, MedGen C0027672, MeSH D009386, MONDO:0015356.
Oligodontia-cancer predisposition syndrome. Also called: TOOTH AGENESIS-COLORECTAL CANCER SYNDROME. Identifiers: Orphanet 300576, MedGen C1837750, MONDO:0012075, OMIM 608615. Disease mechanism: loss of function.

Allele frequency attached by ClinVar (database versions not stated): TOPMed below 0.00001; gnomAD exomes 0.00001.
gnomAD v4.1: 3 of 1,604,598 alleles (0.00019%); highest among the groups gnomAD compares: Admixed American, 0.0034%; no homozygotes.

Submissions (2):

Labcorp Genetics (formerly Invitae), Labcorp
Classification: Uncertain significance for Oligodontia-cancer predisposition syndrome. Last evaluated: 2024-06-17. Review status: criteria provided, single submitter. Criteria: Invitae Variant Classification Sherloc (09022015). Collection method: clinical testing. Allele origin: germline.
Comment: This sequence change replaces serine, which is neutral and polar, with cysteine, which is neutral and slightly polar, at codon 73 of the AXIN2 protein (p.Ser73Cys). This variant is present in population databases (no rsID available, gnomAD 0.006%). This variant has not been reported in the literature in individuals affected with AXIN2-related conditions. ClinVar contains an entry for this variant (Variation ID: 660023). Advanced modeling of protein sequence and biophysical properties (such as structural, functional, and spatial information, amino acid conservation, physicochemical variation, residue mobility, and thermodynamic stability) performed at Invitae indicates that this missense variant is expected to disrupt AXIN2 protein function with a positive predictive value of 80%. In summary, the available evidence is currently insufficient to determine the role of this variant in disease. Therefore, it has been classified as a Variant of Uncertain Significance.

Ambry Genetics
Classification: Uncertain significance for Hereditary cancer-predisposing syndrome. Last evaluated: 2023-10-04. Review status: criteria provided, single submitter. Criteria: Ambry Variant Classification Scheme 2023. Collection method: clinical testing. Allele origin: germline.
Comment: The p.S73C variant (also known as c.218C>G), located in coding exon 1 of the AXIN2 gene, results from a C to G substitution at nucleotide position 218. The serine at codon 73 is replaced by cysteine, an amino acid with dissimilar properties. This amino acid position is conserved. In addition, this alteration is predicted to be tolerated by in silico analysis. Since supporting evidence is limited at this time, the clinical significance of this alteration remains unclear.